The following is an entry in ClinVar:

NM_172364.5(CACNA2D4):c.2094G>T (p.Lys698Asn)

Gene: CACNA2D4 (calcium voltage-gated channel auxiliary subunit alpha2delta 4; minus strand). Cytogenetic location: 12p13.33.
Variant type: single nucleotide variant.
Coding change: c.2094G>T on transcript NM_172364.5 (MANE Select); coding-DNA position 2094, G replaced by T.
Protein change: p.Lys698Asn; replaces lysine 698 with asparagine.
Molecular consequence: missense variant.
Genome position (GRCh38, 1-based): chr12:1,856,070, C>A on the plus strand (G>T on the coding strand, the complement: CACNA2D4 is on the minus strand). VCF-style: chr12-1856070-C-A. GRCh37 (hg19) VCF-style: chr12-1965236-C-A.
Other names: short protein forms K698N.
Identifiers: ClinVar variation 498292 (VCV000498292.13), dbSNP rs751874126, ClinGen allele CA6386846.
Genomic context (GRCh38, chr12:1,856,070, plus strand): 5'-ACACTCCAGGTCTGGGTCCTTCCTGGTGAGGAAGCGGATCATGGCCTCTAGCTGGCTGAG[C>A]TTCCGGTGGTCTGGGTCAATATCTGTGATGCAGTAGATCCTGAAACCCAGGAAAGTCAGT-3'
Protein context (NP_758952.4, residues 688-708): CITDIDPDHR[Lys698Asn]LSQLEAMIRF

ClinVar aggregate classification (germline): Uncertain significance. Review status: criteria provided, multiple submitters, no conflicts (2 of 4 stars). 2 submissions from 2 submitters: Uncertain significance (2). Last evaluated 2023-08-02.

Allele frequency attached by ClinVar (database versions not stated): gnomAD exomes below 0.00001; TOPMed 0.00001; ExAC 0.00002.
gnomAD v4.1: 7 of 1,614,038 alleles (0.00043%); highest among the groups gnomAD compares: African/African-American, 0.0027%; no homozygotes.

Submissions (2):

Labcorp Genetics (formerly Invitae), Labcorp
Classification: Uncertain significance. Last evaluated: 2023-08-02. Review status: criteria provided, single submitter. Criteria: Invitae Variant Classification Sherloc (09022015). Collection method: clinical testing. Allele origin: germline.
Comment: This variant has not been reported in the literature in individuals affected with CACNA2D4-related conditions. ClinVar contains an entry for this variant (Variation ID: 498292). An algorithm developed to predict the effect of missense changes on protein structure and function (PolyPhen-2) suggests that this variant is likely to be tolerated. This sequence change replaces lysine, which is basic and polar, with asparagine, which is neutral and polar, at codon 698 of the CACNA2D4 protein (p.Lys698Asn). This variant is present in population databases (rs751874126, gnomAD no frequency). In summary, the available evidence is currently insufficient to determine the role of this variant in disease. Therefore, it has been classified as a Variant of Uncertain Significance.

Eurofins Ntd Llc (ga)
Classification: Uncertain significance. Last evaluated: 2016-11-21. Review status: criteria provided, single submitter. Criteria: EGL Classification Definitions 2015. Collection method: clinical testing. Allele origin: germline. Observed: 1 variant allele, 1 heterozygote.